The following is an entry in ClinVar:

NM_000135.4(FANCA):c.877A>G (p.Lys293Glu)

Gene: FANCA (FA complementation group A; minus strand). Cytogenetic location: 16q24.3.
Variant type: single nucleotide variant.
Coding change: c.877A>G on transcript NM_000135.4 (MANE Select); coding-DNA position 877, A replaced by G.
Protein change: p.Lys293Glu; replaces lysine 293 with glutamic acid.
Molecular consequence: missense variant.
Genome position (GRCh38, 1-based): chr16:89,799,182, T>C on the plus strand (A>G on the coding strand, the complement: FANCA is on the minus strand). VCF-style: chr16-89799182-T-C. GRCh37 (hg19) VCF-style: chr16-89865590-T-C.
Other names: c.877A>G, p.Lys293Glu (NM_001018112.3, NM_001286167.3); c.781A>G, p.Lys261Glu (NM_001351830.2); short protein forms K261E, K293E.
Identifiers: ClinVar variation 1716676 (VCV001716676.5), dbSNP rs2544302978, ClinGen allele CA397472873.

ClinVar aggregate classification (germline): Uncertain significance (1 of 4 stars; one submission).

Conditions:
Fanconi anemia (FA). Also called: Fanconi's anemia. Identifiers: Orphanet 84, MedGen C0015625, MeSH D005199, MONDO:0019391.

Submission:

Labcorp Genetics (formerly Invitae), Labcorp
Classification: Uncertain significance for Fanconi anemia. Last evaluated: 2022-08-18. Review status: criteria provided, single submitter. Criteria: Invitae Variant Classification Sherloc (09022015). Collection method: clinical testing. Allele origin: germline.
Comment: This sequence change replaces lysine, which is basic and polar, with glutamic acid, which is acidic and polar, at codon 293 of the FANCA protein (p.Lys293Glu). In summary, the available evidence is currently insufficient to determine the role of this variant in disease. Therefore, it has been classified as a Variant of Uncertain Significance. Advanced modeling of protein sequence and biophysical properties (such as structural, functional, and spatial information, amino acid conservation, physicochemical variation, residue mobility, and thermodynamic stability) performed at Invitae indicates that this missense variant is not expected to disrupt FANCA protein function. This variant has not been reported in the literature in individuals affected with FANCA-related conditions. This variant is not present in population databases (gnomAD no frequency).